The following is an entry in ClinVar:

NM_006059.4(LAMC3):c.1880G>A (p.Arg627Gln)

Gene: LAMC3 (laminin subunit gamma 3; plus strand). Cytogenetic location: 9q34.12.
Variant type: single nucleotide variant.
Coding change: c.1880G>A on transcript NM_006059.4 (MANE Select); coding-DNA position 1880, G replaced by A.
Protein change: p.Arg627Gln; replaces arginine 627 with glutamine.
Molecular consequence: missense variant.
Genome position (GRCh38, 1-based): chr9:131,052,906, G>A. VCF-style: chr9-131052906-G-A. GRCh37 (hg19) VCF-style: chr9-133928293-G-A.
Other names: short protein forms R627Q.
Identifiers: ClinVar variation 2180632 (VCV002180632.2), dbSNP rs1207078442, ClinGen allele CA375264406.

ClinVar aggregate classification (germline): Uncertain significance (1 of 4 stars; one submission).

gnomAD v4.1: 7 of 1,613,686 alleles (0.00043%); highest among the groups gnomAD compares: Non-Finnish European, 0.00059%; no homozygotes.

Submission:

Labcorp Genetics (formerly Invitae), Labcorp
Classification: Uncertain significance. Last evaluated: 2022-06-10. Review status: criteria provided, single submitter. Criteria: Invitae Variant Classification Sherloc (09022015). Collection method: clinical testing. Allele origin: germline.
Comment: In summary, the available evidence is currently insufficient to determine the role of this variant in disease. Therefore, it has been classified as a Variant of Uncertain Significance. This sequence change replaces arginine, which is basic and polar, with glutamine, which is neutral and polar, at codon 627 of the LAMC3 protein (p.Arg627Gln). Algorithms developed to predict the effect of missense changes on protein structure and function output the following: SIFT: "Tolerated"; PolyPhen-2: "Benign"; Align-GVGD: "Class C0". The glutamine amino acid residue is found in multiple mammalian species, which suggests that this missense change does not adversely affect protein function. This variant has not been reported in the literature in individuals affected with LAMC3-related conditions. This variant is not present in population databases (gnomAD no frequency).